The following is an entry in ClinVar:

NM_021813.4(BACH2):c.828A>T (p.Lys276Asn)

Gene: BACH2 (BACH transcriptional regulator 2; minus strand). Cytogenetic location: 6q15.
Variant type: single nucleotide variant.
Coding change: c.828A>T on transcript NM_021813.4 (MANE Select); coding-DNA position 828, A replaced by T.
Protein change: p.Lys276Asn; replaces lysine 276 with asparagine.
Molecular consequence: missense variant.
Genome position (GRCh38, 1-based): chr6:89,951,278, T>A on the plus strand (A>T on the coding strand, the complement: BACH2 is on the minus strand). VCF-style: chr6-89951278-T-A. GRCh37 (hg19) VCF-style: chr6-90660997-T-A.
Other names: c.828A>T, p.Lys276Asn (NM_001170794.2); short protein forms K276N.
Identifiers: ClinVar variation 3678911 (VCV003678911.2).

ClinVar aggregate classification (germline): Uncertain significance (1 of 4 stars; one submission).

gnomAD v4.1: 4 of 1,614,200 alleles (0.00025%); highest among the groups gnomAD compares: Non-Finnish European, 0.00034%; no homozygotes.

Submission:

Labcorp Genetics (formerly Invitae), Labcorp
Classification: Uncertain significance. Last evaluated: 2024-05-15. Review status: criteria provided, single submitter. Criteria: Invitae Variant Classification Sherloc (09022015). Collection method: clinical testing. Allele origin: germline.
Comment: This sequence change replaces lysine, which is basic and polar, with asparagine, which is neutral and polar, at codon 276 of the BACH2 protein (p.Lys276Asn). This variant is not present in population databases (gnomAD no frequency). This variant has not been reported in the literature in individuals affected with BACH2-related conditions. Advanced modeling of protein sequence and biophysical properties (such as structural, functional, and spatial information, amino acid conservation, physicochemical variation, residue mobility, and thermodynamic stability) performed at Invitae indicates that this missense variant is not expected to disrupt BACH2 protein function with a negative predictive value of 80%. In summary, the available evidence is currently insufficient to determine the role of this variant in disease. Therefore, it has been classified as a Variant of Uncertain Significance.